The following is an entry in ClinVar:

ClinVar aggregate classification (germline): Likely benign. Review status: criteria provided, multiple submitters, no conflicts (2 of 4 stars). 4 submissions from 4 submitters: Likely benign (3). 1 of the submissions does not count toward it. Last evaluated 2025-03-04.

Conditions:
FLCN-related disorder. Also called: FLCN-related condition.
Birt-Hogg-Dube syndrome 1 (BHD1). Also called: FIBROFOLLICULOMAS WITH TRICHODISCOMAS AND ACROCHORDONS. Identifiers: Orphanet 122, MedGen CN375946, MONDO:0800445, OMIM 135150.

Allele frequency attached by ClinVar (database versions not stated): ExAC 0.00007; gnomAD 0.00009; TOPMed 0.00013; gnomAD exomes 0.00017; ESP Exome Variant Server 0.00023.

Submissions (4):

Center for Genomic Medicine, Rigshospitalet, Copenhagen University Hospital
Classification: Likely benign. Last evaluated: 2025-03-04. Review status: criteria provided, single submitter. Criteria: ACMG Guidelines, 2015. Collection method: clinical testing. Allele origin: germline.

Myriad Genetics, Inc.
Classification: Likely benign for Birt-Hogg-Dube syndrome 1. Last evaluated: 2024-10-22. Review status: criteria provided, single submitter. Criteria: Myriad Autosomal Dominant, Autosomal Recessive and X-Linked Classification Criteria (2023). Collection method: clinical testing. Allele origin: unknown.
Comment: This variant is considered likely benign. This variant has been observed at a population frequency that is significantly greater than expected given the associated disease prevalence and penetrance.

Quest Diagnostics Nichols Institute San Juan Capistrano
Classification: Likely benign. Last evaluated: 2022-12-08. Review status: criteria provided, single submitter. Criteria: Quest Diagnostics criteria. Collection method: clinical testing. Allele origin: unknown.

PreventionGenetics, part of Exact Sciences
Classification: Likely benign for FLCN-related condition. Last evaluated: 2021-01-20. Review status: no assertion criteria provided. Collection method: clinical testing. Allele origin: germline. Not counted in ClinVar's aggregate classification.
Comment: This variant is classified as likely benign based on ACMG/AMP sequence variant interpretation guidelines (Richards et al. 2015 PMID: 25741868, with internal and published modifications).

NM_144997.7(FLCN):c.-8A>G

Gene: FLCN (folliculin; minus strand). Cytogenetic location: 17p11.2.
Variant type: single nucleotide variant.
Coding change: c.-8A>G on transcript NM_144997.7 (MANE Select); 8 bases upstream of the start codon, A replaced by G.
Molecular consequence: 5 prime UTR variant.
Genome position (GRCh38, 1-based): chr17:17,228,145, T>C on the plus strand (A>G on the coding strand, the complement: FLCN is on the minus strand). VCF-style: chr17-17228145-T-C. GRCh37 (hg19) VCF-style: chr17-17131459-T-C.
Other names: c.-8A>G (NM_001353229.2, NM_001353230.2, NM_001353231.2 and 2 more transcripts).
Identifiers: ClinVar variation 2576264 (VCV002576264.6), dbSNP rs369632481, ClinGen allele CA8416541.
Genomic context (GRCh38, chr17:17,228,145, plus strand): 5'-GTGCGGGGGCCGTGGAGCTCGCAGAAGTGGCAGAGAGCCACGATGGCATTCATGGTGCCT[T>C]GGAGACTGCAACAGGCCTGCGTGGGACAGGGGACATGTCAGCTTGCCAATGCCTATTGAC-3'